The following is an entry in ClinVar:

ClinVar aggregate classification (germline): Likely benign (1 of 4 stars; one submission).

gnomAD v4.1: 3 of 1,609,322 alleles (0.00019%); highest among the groups gnomAD compares: Admixed American, 0.0017%; no homozygotes.

Submission:

CeGaT Center for Human Genetics Tuebingen
Classification: Likely benign. Last evaluated: 2023-01-01. Review status: criteria provided, single submitter. Criteria: CeGaT Center For Human Genetics Tuebingen Variant Classification Criteria Version 2. Collection method: clinical testing. Allele origin: germline. Affected: yes. Observed: 1 variant allele.
Comment: MUC5B: BP4, BP7

NM_002458.3(MUC5B):c.9837G>A (p.Val3279=)

Genes: MUC5B (mucin 5B, oligomeric mucus/gel-forming; plus strand), MUC5B-AS1 (MUC5B antisense RNA 1; minus strand). Cytogenetic location: 11p15.5.
Variant type: single nucleotide variant.
Coding change: c.9837G>A on transcript NM_002458.3 (MANE Select); coding-DNA position 9837, G replaced by A.
Protein change: p.Val3279=; no amino-acid change (valine 3279 retained).
Molecular consequence: synonymous variant.
Genome position (GRCh38, 1-based): chr11:1,246,717, G>A. VCF-style: chr11-1246717-G-A. GRCh37 (hg19) VCF-style: chr11-1267947-G-A.
Identifiers: ClinVar variation 2641258 (VCV002641258.24), dbSNP rs1284279535, ClinGen allele CA472452371.